The following is an entry in ClinVar:

NM_152393.4(KLHL40):c.361G>C (p.Val121Leu)

Gene: KLHL40 (kelch like family member 40; plus strand). Cytogenetic location: 3p22.1.
Variant type: single nucleotide variant.
Coding change: c.361G>C on transcript NM_152393.4 (MANE Select); coding-DNA position 361, G replaced by C.
Protein change: p.Val121Leu; replaces valine 121 with leucine.
Molecular consequence: missense variant.
Genome position (GRCh38, 1-based): chr3:42,685,979, G>C. VCF-style: chr3-42685979-G-C. GRCh37 (hg19) VCF-style: chr3-42727471-G-C.
Other names: c.361G>C (NM_152393.2); short protein forms V121L.
Identifiers: ClinVar variation 940130 (VCV000940130.7), dbSNP rs201494537, ClinGen allele CA352289218.

ClinVar aggregate classification (germline): Uncertain significance. Review status: criteria provided, multiple submitters, no conflicts (2 of 4 stars). 2 submissions from 2 submitters: Uncertain significance (2). Last evaluated 2025-06-03.

Conditions:
Nemaline myopathy 8 (NEM8). Also called: Nemaline myopathy 8, autosomal recessive. Identifiers: Orphanet 171430, MedGen C3809209, MONDO:0014138, OMIM 615348.
Inborn genetic diseases. Identifiers: MedGen C0950123, MeSH D030342.

Allele frequency attached by ClinVar (database versions not stated): TOPMed 0.00001.
gnomAD v4.1: 8 of 1,611,814 alleles (0.0005%); highest among the groups gnomAD compares: East Asian, 0.013%; no homozygotes.

Submissions (2):

Ambry Genetics
Classification: Uncertain significance for Inborn genetic diseases. Last evaluated: 2025-06-03. Review status: criteria provided, single submitter. Criteria: Ambry Variant Classification Scheme 2023. Collection method: clinical testing. Allele origin: germline.

Labcorp Genetics (formerly Invitae), Labcorp
Classification: Uncertain significance for Nemaline myopathy 8. Last evaluated: 2019-08-11. Review status: criteria provided, single submitter. Criteria: Invitae Variant Classification Sherloc (09022015). Collection method: clinical testing. Allele origin: germline.
Comment: This variant has not been reported in the literature in individuals with KLHL40-related conditions. Algorithms developed to predict the effect of missense changes on protein structure and function are either unavailable or do not agree on the potential impact of this missense change (SIFT: "Deleterious"; PolyPhen-2: "Benign"; Align-GVGD: "Class C25"). In summary, the available evidence is currently insufficient to determine the role of this variant in disease. Therefore, it has been classified as a Variant of Uncertain Significance. This variant is not present in population databases (ExAC no frequency). This sequence change replaces valine with leucine at codon 121 of the KLHL40 protein (p.Val121Leu). The valine residue is highly conserved and there is a small physicochemical difference between valine and leucine.